The following is an entry in ClinVar:

ClinVar aggregate classification (germline): Likely pathogenic (1 of 4 stars; one submission).

Conditions:
Ritscher-Schinzel syndrome 1 (RTSC1). Identifiers: Orphanet 7, MedGen C4551776, MONDO:0009073, OMIM 220210.

Submissions (3):

First Genomix Gene Laboratory, Genetic Diagnostics Department
Classification: Likely pathogenic for Ritscher-Schinzel syndrome 1. Last evaluated: 2025-03-14. Review status: criteria provided, single submitter. Criteria: ACMG Guidelines, 2015. Collection method: clinical testing. Allele origin: germline. Inheritance: Autosomal recessive inheritance. Affected: no. Observed: 1 variant allele.

Dr. Peter K. Rogan Lab, Western University
No classification provided (evidence only). Condition: Thyroid cancer, nonmedullary, 1. Review status: no classification provided. Collection method: in vitro. Allele origin: not applicable. Functional consequence: retained intron. Not counted in ClinVar's aggregate classification.

Dr. Peter K. Rogan Lab, Western University
No classification provided (evidence only). Condition: Nonpapillary renal cell carcinoma. Review status: no classification provided. Collection method: in vitro. Allele origin: not applicable. Functional consequence: retained intron. Not counted in ClinVar's aggregate classification.

NM_014846.4(WASHC5):c.2955-1G>A

Gene: WASHC5 (WASH complex subunit 5; minus strand). Cytogenetic location: 8q24.13.
Variant type: single nucleotide variant.
Coding change: c.2955-1G>A on transcript NM_014846.4 (MANE Select); the canonical splice acceptor site of the intron before coding-DNA position 2955, G replaced by A.
Molecular consequence: splice acceptor variant.
Genome position (GRCh38, 1-based): chr8:125,038,960, C>T on the plus strand (G>A on the coding strand, the complement: WASHC5 is on the minus strand). VCF-style: chr8-125038960-C-T. GRCh37 (hg19) VCF-style: chr8-126051202-C-T.
Other names: NC_000008.10:g.126051202C>T; c.2511-1G>A (NM_001330609.2).
Identifiers: ClinVar variation 4343215 (VCV004343215.2).